The following is an entry in ClinVar:

ClinVar aggregate classification (germline): Likely benign (1 of 4 stars; one submission).

gnomAD v4.1: 2 of 1,614,016 alleles (0.00012%); highest among the groups gnomAD compares: Non-Finnish European, 0.00017%; no homozygotes.

Submission:

CeGaT Center for Human Genetics Tuebingen
Classification: Likely benign. Last evaluated: 2025-08-01. Review status: criteria provided, single submitter. Criteria: CeGaT Center For Human Genetics Tuebingen Variant Classification Criteria Version 2. Collection method: clinical testing. Allele origin: germline. Affected: yes. Observed: 1 variant allele.
Comment: PDCD1: BP4, BP7

NM_005018.3(PDCD1):c.321C>T (p.His107=)

Gene: PDCD1 (programmed cell death 1; minus strand). Cytogenetic location: 2q37.3.
Variant type: single nucleotide variant.
Coding change: c.321C>T on transcript NM_005018.3 (MANE Select); coding-DNA position 321, C replaced by T.
Protein change: p.His107=; no amino-acid change (histidine 107 retained).
Molecular consequence: synonymous variant.
Genome position (GRCh38, 1-based): chr2:241,852,736, G>A on the plus strand (C>T on the coding strand, the complement: PDCD1 is on the minus strand). VCF-style: chr2-241852736-G-A. GRCh37 (hg19) VCF-style: chr2-242794888-G-A.
Identifiers: ClinVar variation 4534800 (VCV004534800.6).